The following is an entry in ClinVar:

NM_001291415.2(KDM6A):c.1462A>C (p.Lys488Gln)

Gene: KDM6A (lysine demethylase 6A; plus strand). Cytogenetic location: Xp11.3.
Variant type: single nucleotide variant.
Coding change: c.1462A>C on transcript NM_001291415.2 (MANE Select); coding-DNA position 1462, A replaced by C.
Protein change: p.Lys488Gln; replaces lysine 488 with glutamine.
Molecular consequence: missense variant. On other transcripts: non-coding transcript variant (1), intron variant (5).
Genome position (GRCh38, 1-based): chrX:45,060,741, A>C. VCF-style: chrX-45060741-A-C. GRCh37 (hg19) VCF-style: chrX-44919986-A-C.
Other names: c.1327A>C, p.Lys443Gln (NM_001291416.2, NM_001419811.1); c.1462A>C, p.Lys488Gln (NM_001419809.1, NM_001419810.1, NM_001419813.1); c.1330-583A>C (NM_021140.4, NM_001410742.1); c.1195-583A>C (NM_001291417.2, NM_001291418.2); c.442-583A>C (NM_001291421.2); short protein forms K443Q, K488Q.
Identifiers: ClinVar variation 2572848 (VCV002572848.2), dbSNP rs1236103373, ClinGen allele CA412784386.

ClinVar aggregate classification (germline): Uncertain significance (1 of 4 stars; one submission).

Submission:

GeneDx
Classification: Uncertain significance. Last evaluated: 2023-12-12. Review status: criteria provided, single submitter. Criteria: GeneDx Variant Classification Process June 2021. Collection method: clinical testing. Allele origin: germline. Affected: yes.
Comment: Not observed at significant frequency in large population cohorts (gnomAD); In silico analysis supports a deleterious effect on splicing; Has not been previously published as pathogenic or benign to our knowledge; Reported using an alternate transcript of the gene